The following is an entry in ClinVar:

ClinVar aggregate classification (germline): Likely pathogenic. Review status: criteria provided, multiple submitters, no conflicts (2 of 4 stars). 2 submissions from 2 submitters: Likely pathogenic (2). Last evaluated 2023-06-13.

Conditions:
CHARGE syndrome (CHARGE). Also called: CHARGE ASSOCIATION--COLOBOMA, HEART ANOMALY, CHOANAL ATRESIA, RETARDATION, GENITAL AND EAR ANOMALIES; Coloboma, heart anomaly, choanal atresia, retardation, genital and ear anomalies; CHARGE association; Hall-Hittner syndrome; Hittner Hirsch Kreh syndrome. Identifiers: Orphanet 138, MedGen C0265354, MONDO:0008965.

Submissions (2):

GeneDx
Classification: Likely pathogenic. Last evaluated: 2023-06-13. Review status: criteria provided, single submitter. Criteria: GeneDx Variant Classification Process June 2021. Collection method: clinical testing. Allele origin: germline. Affected: yes.
Comment: Not observed at significant frequency in large population cohorts (gnomAD); In silico analysis supports that this missense variant has a deleterious effect on protein structure/function; This variant is associated with the following publications: (PMID: 21158681, 27694994)

Labcorp Genetics (formerly Invitae), Labcorp
Classification: Likely pathogenic for CHARGE syndrome. Last evaluated: 2019-12-24. Review status: criteria provided, single submitter. Criteria: Invitae Variant Classification Sherloc (09022015). Collection method: clinical testing. Allele origin: germline.
Comment: This sequence change replaces threonine with arginine at codon 1416 of the CHD7 protein (p.Thr1416Arg). The threonine residue is highly conserved and there is a moderate physicochemical difference between threonine and arginine. In summary, the currently available evidence indicates that the variant is pathogenic, but additional data are needed to prove that conclusively. Therefore, this variant has been classified as Likely Pathogenic. Algorithms developed to predict the effect of missense changes on protein structure and function (SIFT, PolyPhen-2, Align-GVGD) all suggest that this variant is likely to be disruptive, but these predictions have not been confirmed by published functional studies and their clinical significance is uncertain. This variant has been observed in individual(s) with clinical features of CHARGE syndrome (PMID: 21158681; Invitae). In at least one individual the variant was observed to be de novo. ClinVar contains an entry for this variant (Variation ID: 391856). This variant is not present in population databases (ExAC no frequency).

Literature cited by the submitters: PubMed 21158681 (cited by Labcorp Genetics (formerly Invitae), Labcorp).

NM_017780.4(CHD7):c.4247C>G (p.Thr1416Arg)

Gene: CHD7 (chromodomain helicase DNA binding protein 7; plus strand). Cytogenetic location: 8q12.2.
Variant type: single nucleotide variant.
Coding change: c.4247C>G on transcript NM_017780.4 (MANE Select); coding-DNA position 4247, C replaced by G.
Protein change: p.Thr1416Arg; replaces threonine 1416 with arginine.
Molecular consequence: missense variant. On other transcripts: intron variant (1).
Genome position (GRCh38, 1-based): chr8:60,837,729, C>G. VCF-style: chr8-60837729-C-G. GRCh37 (hg19) VCF-style: chr8-61750288-C-G.
Other names: c.4247C>G (LRG_176t1); c.1717-24500C>G (NM_001316690.1); short protein forms T1416R.
Identifiers: ClinVar variation 391856 (VCV000391856.12), dbSNP rs770166812, ClinGen allele CA16605494.
Genomic context (GRCh38, chr8:60,837,729, plus strand): 5'-CTCAGGCTAGATGTCATAGAATAGGACAGAGCAAATCTGTGAAAATCTACAGGCTGATTA[C>G]AAGAAATTCCTATGAAAGGGAAATGTTCGACAAGGCTAGTTTGAAACTGGGCCTGGATAA-3'
Protein context (NP_060250.2, residues 1406-1426): SKSVKIYRLI[Thr1416Arg]RNSYEREMFD